The following is an entry in ClinVar:

NM_000138.5(FBN1):c.2287T>C (p.Cys763Arg)

Gene: FBN1 (fibrillin 1; minus strand). Cytogenetic location: 15q21.1.
Variant type: single nucleotide variant.
Coding change: c.2287T>C on transcript NM_000138.5 (MANE Select); coding-DNA position 2287, T replaced by C.
Protein change: p.Cys763Arg; replaces cysteine 763 with arginine.
Molecular consequence: missense variant.
Genome position (GRCh38, 1-based): chr15:48,497,272, A>G on the plus strand (T>C on the coding strand, the complement: FBN1 is on the minus strand). VCF-style: chr15-48497272-A-G. GRCh37 (hg19) VCF-style: chr15-48789469-A-G.
Other names: NM_000138.5(FBN1):c.2287T>C; p.Cys763Arg; short protein forms C763R.
Identifiers: ClinVar variation 519758 (VCV000519758.12), dbSNP rs1555399361, ClinGen allele CA392335589.

ClinVar aggregate classification (germline): Likely pathogenic. Review status: reviewed by expert panel (3 of 4 stars). 5 submissions from 5 submitters: Likely pathogenic (1). 4 of the submissions do not count toward it. Last evaluated 2023-12-29.

Conditions:
Familial thoracic aortic aneurysm and aortic dissection (TAAD). Also called: Thoracic aortic aneurysms and dissections. Identifiers: Orphanet 91387, MedGen C4707243, MONDO:0019625.
Marfan syndrome (MFS). Also called: Marfan syndrome type 1; Marfan syndrome, classic; Marfan's syndrome; FBN1-Related Marfan Syndrome; MARFAN SYNDROME, TYPE I. Identifiers: Orphanet 284963, Orphanet 558, MedGen C0024796, MONDO:0007947, OMIM 154700.

Submissions (5):

ClinGen FBN1 Variant Curation Expert Panel, ClinGen
Classification: Likely pathogenic for Marfan syndrome. Last evaluated: 2023-12-29. Review status: reviewed by expert panel. Criteria: Assertion Criteria VCEP FBN1 Version 1. Collection method: curation. Allele origin: germline. Inheritance: Autosomal dominant inheritance.
Comment: The NM_00138 c.2287T>C is a missense variant in FBN1 predicted to cause a substitution of a cysteine by arginine at amino acid 763 (p.Cys763Arg). This variant has been reported 3 times in ClinVar, twice as likely pathogenic and once as uncertain significance (Variation ID: 519758). To our knowledge, this variant has not previously been reported in individuals affected with Marfan syndrome in the literature. This variant is not present in gnomAD (PM2_sup; version 2.1.1). This variant affects a cysteine residue in a calcium binding EGF domain. Cysteine residues are believed to be involved in the formation of disulfide bridges which are essential for the protein structure (PM1_strong). Computational prediction tools and conservation analysis suggest that this variant may impact the protein (REVEL: 0.979) (PP3). The constraint z-score for missense variants affecting FBN1 is 5.06 (PP2). In summary, this variant meets criteria to be classified as likely pathogenic for Marfan syndrome based on the ACMG/AMP criteria applied, as specified by the ClinGen FBN1 VCEP: PM1_Strong, PM2_Sup, PP2, PP3

Illumina Laboratory Services, Illumina
Classification: Likely pathogenic for Marfan syndrome. Last evaluated: 2023-09-22. Review status: criteria provided, single submitter. Criteria: ICSLVariantClassificationCriteria RUGD 01 April 2020. Collection method: clinical testing. Allele origin: unknown. Not counted in ClinVar's aggregate classification.
Comment: The FBN1 c.2287T>C p.(Cys763Arg) missense variant is located in the calcium-binding EGF domain and at an amino acid residue that is predicted to be critical for protein folding (ClinGen FBN1 expert panel specifications). This variant is not observed in version 2.1.1 or version 3.1.2 of the Genome Aggregation Database. To our knowledge, this variant has not been reported in the peer-reviewed literature. However, two different variants at the same amino acid position have been reported in individuals with phenotypes consistent with Marfan syndrome (PMID: 31163209; 33059708; 35058154). Multiple lines of computational evidence suggest the variant may impact the gene or gene product. This variant has been shown to segregate with disease in this family with a phenotype consistent with Marfan syndrome. Based on the available evidence, the c.2287T>C p.(Cys763Arg) variant is classified as likely pathogenic for Marfan syndrome.

Labcorp Genetics (formerly Invitae), Labcorp
Classification: Likely pathogenic for Marfan syndrome; Familial thoracic aortic aneurysm and aortic dissection. Last evaluated: 2021-08-28. Review status: criteria provided, single submitter. Criteria: Invitae Variant Classification Sherloc (09022015). Collection method: clinical testing. Allele origin: germline. Not counted in ClinVar's aggregate classification.

Women's Health and Genetics/Laboratory Corporation of America, LabCorp
Classification: Uncertain significance. Last evaluated: 2018-03-12. Review status: criteria provided, single submitter. Criteria: LabCorp Variant Classification Summary - May 2015. Collection method: clinical testing. Allele origin: germline. Not counted in ClinVar's aggregate classification.
Comment: Variant summary: FBN1 c.2287T>C (p.Cys763Arg) results in a non-conservative amino acid change located in the EGF-like domain of the encoded protein sequence. Cysteins are critical for FBN1 function. Five of five in-silico tools predict a damaging effect of the variant on protein function. The variant was absent in 121392 control chromosomes. The available data on variant occurrences in the general population are insufficient to allow any conclusion about variant significance. To our knowledge, no occurrence of c.2287T>C in individuals affected with Marfan Syndrome and no experimental evidence demonstrating its impact on protein function have been reported. No clinical diagnostic laboratories have submitted clinical-significance assessments for this variant to ClinVar after 2014. Based on the evidence outlined above, the variant was classified as uncertain significance-possibly pathogenic.

Ambry Genetics
Classification: Likely pathogenic for Familial thoracic aortic aneurysm and aortic dissection. Last evaluated: 2017-09-05. Review status: criteria provided, single submitter. Criteria: Ambry Variant Classification Scheme 2023. Collection method: clinical testing. Allele origin: germline. Not counted in ClinVar's aggregate classification.
Comment: The p.C763R variant (also known as c.2287T>C), located in coding exon 18 of the FBN1 gene, results from a T to C substitution at nucleotide position 2287. The cysteine at codon 763 is replaced by arginine, an amino acid with highly dissimilar properties, and is predicted to disrupt disulfide bonding in the cbEGF-like #07 domain. The majority of FBN1 mutations identified to date have involved the substitution or generation of cysteine residues within cbEGF domains (Vollbrandt T et al. J Biol Chem. 2004;279(31):32924-32931). This amino acid position is highly conserved in available vertebrate species. In addition, this alteration is predicted to be deleterious by in silico analysis. Based on the majority of available evidence to date, this variant is likely to be pathogenic.

Literature cited by the submitters: PubMed 31163209 (cited by Illumina Laboratory Services, Illumina); PubMed 33059708 (cited by Illumina Laboratory Services, Illumina); PubMed 5058154 (cited by Illumina Laboratory Services, Illumina).